The following is an entry in ClinVar:

NM_001127453.2(GSDME):c.1049_1103dup (p.Gln368fs)

Gene: GSDME (gasdermin E; minus strand). Cytogenetic location: 7p15.3.
Variant type: Duplication.
Coding change: c.1049_1103dup on transcript NM_001127453.2 (MANE Select); coding-DNA positions 1049 to 1103, 55 bases duplicated.
Protein change: p.Gln368fs; shifts the reading frame from glutamine 368.
Molecular consequence: frameshift variant.
Genome position (GRCh38, 1-based): chr7:24,706,264-24,706,318, 55 bases duplicated. GRCh37 (hg19): chr7:24,745,883-24,745,937.
Other names: c.557_611dup, p.Gln204fs (NM_001127454.2); c.1049_1103dup, p.Gln368fs (NM_004403.3); short protein forms Q204fs, Q368fs.
Identifiers: ClinVar variation 2063376 (VCV002063376.4), dbSNP rs2534973519, ClinGen allele CA2580076961.

ClinVar aggregate classification (germline): Uncertain significance (1 of 4 stars; one submission).

Submission:

Labcorp Genetics (formerly Invitae), Labcorp
Classification: Uncertain significance. Last evaluated: 2021-12-27. Review status: criteria provided, single submitter. Criteria: Invitae Variant Classification Sherloc (09022015). Collection method: clinical testing. Allele origin: germline.
Comment: This sequence change creates a premature translational stop signal (p.Gln368Hisfs*50) in the DFNA5 gene. While this is not anticipated to result in nonsense mediated decay, it is expected to disrupt the last 129 amino acid(s) of the DFNA5 protein. In summary, the available evidence is currently insufficient to determine the role of this variant in disease. Therefore, it has been classified as a Variant of Uncertain Significance. Algorithms developed to predict the effect of sequence changes on RNA splicing suggest that this variant may create or strengthen a splice site. This variant has not been reported in the literature in individuals affected with DFNA5-related conditions. This variant is not present in population databases (gnomAD no frequency).